The following is an entry in ClinVar:

ClinVar aggregate classification (germline): Likely benign. Review status: criteria provided, single submitter (1 of 4 stars). 2 submissions from 2 submitters: Likely benign (1). 1 of the submissions does not count toward it. Last evaluated 2024-11-08.

Conditions:
ABCA1-related disorder. Also called: ABCA1-related disorders; ABCA1-related condition. Identifiers: MedGen CN239173.

Allele frequency attached by ClinVar (database versions not stated): gnomAD exomes 0.00045; gnomAD 0.00049; TOPMed 0.00057; ExAC 0.00130; 1000 Genomes Project 30x 0.00297; 1000 Genomes Project 0.00359.
gnomAD v4.1: 691 of 1,540,230 alleles (0.045%); highest among the groups gnomAD compares: East Asian, 1.5%; 3 homozygotes.

Submissions (2):

Blueprint Genetics
Classification: Likely benign. Last evaluated: 2024-11-08. Review status: criteria provided, single submitter. Criteria: ACMG Guidelines, 2015. Collection method: clinical testing. Allele origin: germline.

PreventionGenetics, part of Exact Sciences
Classification: Benign for ABCA1-related condition. Last evaluated: 2019-03-20. Review status: no assertion criteria provided. Collection method: clinical testing. Allele origin: germline. Not counted in ClinVar's aggregate classification.
Comment: This variant is classified as benign based on ACMG/AMP sequence variant interpretation guidelines (Richards et al. 2015 PMID: 25741868, with internal and published modifications).

NM_005502.4(ABCA1):c.6205-48G>T

Genes: ABCA1 (ATP binding cassette subfamily A member 1; minus strand), NIPSNAP3B (nipsnap homolog 3B; plus strand). Cytogenetic location: 9q31.1.
Variant type: single nucleotide variant.
Coding change: c.6205-48G>T on transcript NM_005502.4 (MANE Select); 48 bases into the intron before coding-DNA position 6205, G replaced by T.
Molecular consequence: intron variant.
Genome position (GRCh38, 1-based): chr9:104,787,024, C>A on the plus strand (G>T on the coding strand, the complement: ABCA1 is on the minus strand). VCF-style: chr9-104787024-C-A. GRCh37 (hg19) VCF-style: chr9-107549305-C-A.
Identifiers: ClinVar variation 3046713 (VCV003046713.3), dbSNP rs2020929, ClinGen allele CA5167607.